The following is an entry in ClinVar:

ClinVar aggregate classification (germline): Uncertain significance (1 of 4 stars; one submission).

Submission:

GeneDx
Classification: Uncertain significance. Last evaluated: 2019-05-16. Review status: criteria provided, single submitter. Criteria: GeneDx Variant Classification Process June 2021. Collection method: clinical testing. Allele origin: germline. Affected: yes.
Comment: Not observed in large population cohorts (Lek et al., 2016); In silico analysis, which includes protein predictors and evolutionary conservation, supports a deleterious effect; Has not been previously published as pathogenic or benign to our knowledge

NM_001377.3(DYNC2H1):c.4069G>C (p.Gly1357Arg)

Gene: DYNC2H1 (dynein cytoplasmic 2 heavy chain 1; plus strand). Cytogenetic location: 11q22.3.
Variant type: single nucleotide variant.
Coding change: c.4069G>C on transcript NM_001377.3 (MANE Select); coding-DNA position 4069, G replaced by C.
Protein change: p.Gly1357Arg; replaces glycine 1357 with arginine.
Molecular consequence: missense variant.
Genome position (GRCh38, 1-based): chr11:103,156,712, G>C. VCF-style: chr11-103156712-G-C. GRCh37 (hg19) VCF-style: chr11-103027441-G-C.
Other names: c.4069G>C, p.Gly1357Arg (NM_001080463.2); short protein forms G1357R.
Identifiers: ClinVar variation 1320900 (VCV001320900.2), dbSNP rs745380950, ClinGen allele CA382275714.
Genomic context (GRCh38, chr11:103,156,712, plus strand): 5'-GAATACCTGCAGAATTTAAATCATATTCAGAGAAAGTGGGTGTATTTGGAACCCATTTTC[G>C]GCCGTGGAGCATTGCCAAAAGAACAGACACGCTTCAACAGAGTTGATGAAGATTTTAGGT-3'
Protein context (NP_001368.2, residues 1347-1367): RKWVYLEPIF[Gly1357Arg]RGALPKEQTR